The following is an entry in ClinVar:

NM_032119.4(ADGRV1):c.14972G>C (p.Arg4991Pro)

Gene: ADGRV1 (adhesion G protein-coupled receptor V1; plus strand). Cytogenetic location: 5q14.3.
Variant type: single nucleotide variant.
Coding change: c.14972G>C on transcript NM_032119.4 (MANE Select); coding-DNA position 14972, G replaced by C.
Protein change: p.Arg4991Pro; replaces arginine 4991 with proline.
Molecular consequence: missense variant. On other transcripts: non-coding transcript variant (1).
Genome position (GRCh38, 1-based): chr5:90,807,737, G>C. VCF-style: chr5-90807737-G-C. GRCh37 (hg19) VCF-style: chr5-90103554-G-C.
Other names: short protein forms R4991P.
Identifiers: ClinVar variation 1480009 (VCV001480009.8), dbSNP rs201316232, ClinGen allele CA360406744.

ClinVar aggregate classification (germline): Uncertain significance (1 of 4 stars; one submission).

gnomAD v4.1: 1 of 1,540,794 alleles (0.000065%); highest among the groups gnomAD compares: African/African-American, 0.0014%; no homozygotes.

Submission:

Labcorp Genetics (formerly Invitae), Labcorp
Classification: Uncertain significance. Last evaluated: 2023-12-18. Review status: criteria provided, single submitter. Criteria: Invitae Variant Classification Sherloc (09022015). Collection method: clinical testing. Allele origin: germline.
Comment: This sequence change replaces arginine, which is basic and polar, with proline, which is neutral and non-polar, at codon 4991 of the ADGRV1 protein (p.Arg4991Pro). This variant also falls at the last nucleotide of exon 73, which is part of the consensus splice site for this exon. This variant is not present in population databases (gnomAD no frequency). This variant has not been reported in the literature in individuals affected with ADGRV1-related conditions. ClinVar contains an entry for this variant (Variation ID: 1480009). An algorithm developed to predict the effect of missense changes on protein structure and function (PolyPhen-2) suggests that this variant is likely to be tolerated. Variants that disrupt the consensus splice site are a relatively common cause of aberrant splicing (PMID: 17576681, 9536098). Algorithms developed to predict the effect of sequence changes on RNA splicing suggest that this variant may disrupt the consensus splice site. In summary, the available evidence is currently insufficient to determine the role of this variant in disease. Therefore, it has been classified as a Variant of Uncertain Significance.

Literature cited by the submitters: PubMed 17576681; PubMed 9536098.